The following is an entry in ClinVar:

ClinVar aggregate classification (germline): Uncertain significance. Review status: criteria provided, multiple submitters, no conflicts (2 of 4 stars). 3 submissions from 3 submitters: Uncertain significance (3). Last evaluated 2025-05-15.

Conditions:
X-linked Alport syndrome (ATS1). Also called: COL4A5-Related Nephropathy; NEPHROPATHY AND DEAFNESS, X-LINKED. Identifiers: Orphanet 63, Orphanet 88917, MedGen C4746986, MONDO:0010520, OMIM 301050.

Allele frequency attached by ClinVar (database versions not stated): gnomAD exomes 0.00001 and 0.00002; ExAC 0.00003; TOPMed 0.00004; gnomAD 0.00005.
gnomAD v4.1: 32 of 1,207,253 alleles (0.0027%); highest among the groups gnomAD compares: Non-Finnish European, 0.0031%; no homozygotes.

Submissions (3):

Labcorp Genetics (formerly Invitae), Labcorp
Classification: Uncertain significance. Last evaluated: 2025-05-15. Review status: criteria provided, single submitter. Criteria: Invitae Variant Classification Sherloc (09022015). Collection method: clinical testing. Allele origin: germline.
Comment: This sequence change replaces proline, which is neutral and non-polar, with leucine, which is neutral and non-polar, at codon 1243 of the COL4A5 protein (p.Pro1243Leu). The frequency data for this variant in the population databases is considered unreliable, as metrics indicate poor data quality at this position in the gnomAD database. This variant has not been reported in the literature in individuals affected with COL4A5-related conditions. ClinVar contains an entry for this variant (Variation ID: 1398022). Invitae Evidence Modeling of protein sequence and biophysical properties (such as structural, functional, and spatial information, amino acid conservation, physicochemical variation, residue mobility, and thermodynamic stability) has been performed for this missense variant. However, the output from this modeling did not meet the statistical confidence thresholds required to predict the impact of this variant on COL4A5 protein function. In summary, the available evidence is currently insufficient to determine the role of this variant in disease. Therefore, it has been classified as a Variant of Uncertain Significance.

GeneDx
Classification: Uncertain significance. Last evaluated: 2024-06-11. Review status: criteria provided, single submitter. Criteria: GeneDx Variant Classification Process June 2021. Collection method: clinical testing. Allele origin: germline. Affected: yes.
Comment: In silico analysis supports that this missense variant has a deleterious effect on protein structure/function; Occurs in the triple helical domain at the X position in the canonical Gly-X-Y repeat; although this variant may have an effect on normal protein folding and function, missense substitution at the X position is not a common mechanism of disease; Has not been previously published as pathogenic or benign to our knowledge

Fulgent Genetics
Classification: Uncertain significance for X-linked Alport syndrome. Last evaluated: 2024-01-19. Review status: criteria provided, single submitter. Criteria: ACMG Guidelines, 2015. Collection method: clinical testing. Allele origin: germline.

NM_033380.3(COL4A5):c.3728C>T (p.Pro1243Leu)

Gene: COL4A5 (collagen type IV alpha 5 chain; plus strand). Cytogenetic location: Xq22.3.
Variant type: single nucleotide variant.
Coding change: c.3728C>T on transcript NM_033380.3 (MANE Select); coding-DNA position 3728, C replaced by T.
Protein change: p.Pro1243Leu; replaces proline 1243 with leucine.
Molecular consequence: missense variant.
Genome position (GRCh38, 1-based): chrX:108,668,442, C>T. VCF-style: chrX-108668442-C-T. GRCh37 (hg19) VCF-style: chrX-107911672-C-T.
Other names: c.3728C>T, p.Pro1243Leu (NM_000495.5); c.3728C>T (NM_033380.1); short protein forms P1243L.
Identifiers: ClinVar variation 1398022 (VCV001398022.6), dbSNP rs751503027, ClinGen allele CA10489161.